The following is an entry in ClinVar:

NM_006659.4(TUBGCP2):c.2386G>A (p.Ala796Thr)

Gene: TUBGCP2 (tubulin gamma complex component 2; minus strand). Cytogenetic location: 10q26.3.
Variant type: single nucleotide variant.
Coding change: c.2386G>A on transcript NM_006659.4 (MANE Select); coding-DNA position 2386, G replaced by A.
Protein change: p.Ala796Thr; replaces alanine 796 with threonine.
Molecular consequence: missense variant. On other transcripts: non-coding transcript variant (1).
Genome position (GRCh38, 1-based): chr10:133,282,246, C>T on the plus strand (G>A on the coding strand, the complement: TUBGCP2 is on the minus strand). VCF-style: chr10-133282246-C-T. GRCh37 (hg19) VCF-style: chr10-135095750-C-T.
Other names: c.2386G>A (NM_006659.2); c.2470G>A, p.Ala824Thr (NM_001256617.2); c.1996G>A, p.Ala666Thr (NM_001256618.2); short protein forms A666T, A796T, A824T.
Identifiers: ClinVar variation 2641008 (VCV002641008.25), dbSNP rs147917925, ClinGen allele CA5763525.

ClinVar aggregate classification (germline): Conflicting classifications of pathogenicity. Review status: criteria provided, conflicting classifications (1 of 4 stars). 2 submissions from 2 submitters: Uncertain significance (1); Likely benign (1). Last evaluated 2025-08-02.

Allele frequency attached by ClinVar (database versions not stated): gnomAD exomes 0.00046; ExAC 0.00103; 1000 Genomes Project 0.00300; gnomAD 0.00324; ESP Exome Variant Server 0.00331; 1000 Genomes Project 30x 0.00344; TOPMed 0.00382.
gnomAD v4.1: 1,179 of 1,611,792 alleles (0.073%); highest among the groups gnomAD compares: African/African-American, 1%; 3 homozygotes.

Submissions (2):

Ambry Genetics
Classification: Uncertain significance. Last evaluated: 2025-08-02. Review status: criteria provided, single submitter. Criteria: Ambry Variant Classification Scheme 2023. Collection method: clinical testing. Allele origin: germline.

CeGaT Center for Human Genetics Tuebingen
Classification: Likely benign. Last evaluated: 2023-09-01. Review status: criteria provided, single submitter. Criteria: CeGaT Center For Human Genetics Tuebingen Variant Classification Criteria Version 2. Collection method: clinical testing. Allele origin: germline. Affected: yes. Observed: 1 variant allele.
Comment: TUBGCP2: BP4, BS1